The following is an entry in ClinVar:

ClinVar aggregate classification (germline): Uncertain significance. Review status: criteria provided, multiple submitters, no conflicts (2 of 4 stars). 2 submissions from 2 submitters: Uncertain significance (2). Last evaluated 2025-11-18.

Conditions:
Gorlin syndrome. Also called: Nevoid Basal Cell Carcinoma Syndrome; Basal cell nevus syndrome. Identifiers: Orphanet 377, MedGen C0004779, MONDO:0007187.
Hereditary cancer-predisposing syndrome. Also called: Neoplastic Syndromes, Hereditary; Tumor predisposition; Hereditary neoplastic syndrome; Hereditary Cancer Syndrome. Identifiers: Orphanet 140162, MedGen C0027672, MeSH D009386, MONDO:0015356.

Submissions (2):

Ambry Genetics
Classification: Uncertain significance for Hereditary cancer-predisposing syndrome. Last evaluated: 2025-11-18. Review status: criteria provided, single submitter. Criteria: Ambry Variant Classification Scheme 2023. Collection method: clinical testing. Allele origin: germline.
Comment: The p.T890I variant (also known as c.2669C>T), located in coding exon 16 of the PTCH1 gene, results from a C to T substitution at nucleotide position 2669. The threonine at codon 890 is replaced by isoleucine, an amino acid with similar properties. This amino acid position is highly conserved in available vertebrate species. In addition, this alteration is predicted to be deleterious by in silico analysis. Based on the available evidence, the clinical significance of this variant remains unclear.

Labcorp Genetics (formerly Invitae), Labcorp
Classification: Uncertain significance for Gorlin syndrome. Last evaluated: 2023-08-30. Review status: criteria provided, single submitter. Criteria: Invitae Variant Classification Sherloc (09022015). Collection method: clinical testing. Allele origin: germline.
Comment: This sequence change replaces threonine, which is neutral and polar, with isoleucine, which is neutral and non-polar, at codon 890 of the PTCH1 protein (p.Thr890Ile). This variant is not present in population databases (gnomAD no frequency). In summary, the available evidence is currently insufficient to determine the role of this variant in disease. Therefore, it has been classified as a Variant of Uncertain Significance. Advanced modeling of protein sequence and biophysical properties (such as structural, functional, and spatial information, amino acid conservation, physicochemical variation, residue mobility, and thermodynamic stability) has been performed at Invitae for this missense variant, however the output from this modeling did not meet the statistical confidence thresholds required to predict the impact of this variant on PTCH1 protein function. This variant has not been reported in the literature in individuals affected with PTCH1-related conditions.

NM_000264.5(PTCH1):c.2669C>T (p.Thr890Ile)

Gene: PTCH1 (patched 1; minus strand). Cytogenetic location: 9q22.32.
Variant type: single nucleotide variant.
Coding change: c.2669C>T on transcript NM_000264.5 (MANE Select); coding-DNA position 2669, C replaced by T.
Protein change: p.Thr890Ile; replaces threonine 890 with isoleucine.
Molecular consequence: missense variant. On other transcripts: non-coding transcript variant (1).
Genome position (GRCh38, 1-based): chr9:95,461,890, G>A on the plus strand (C>T on the coding strand, the complement: PTCH1 is on the minus strand). VCF-style: chr9-95461890-G-A. GRCh37 (hg19) VCF-style: chr9-98224172-G-A.
Other names: c.2471C>T, p.Thr824Ile (NM_001083602.3); c.2666C>T, p.Thr889Ile (NM_001083603.3); c.2216C>T, p.Thr739Ile (NM_001083604.3, NM_001083605.3, NM_001083606.3 and 1 more transcripts); c.2513C>T, p.Thr838Ile (NM_001354918.2); short protein forms T838I, T739I, T890I, T889I, T824I.
Identifiers: ClinVar variation 2754936 (VCV002754936.4), dbSNP rs2136687456, ClinGen allele CA374113346.